The following is an entry in ClinVar:

NM_005263.5(GFI1):c.493G>T (p.Ala165Ser)

Gene: GFI1 (growth factor independent 1 transcriptional repressor; minus strand). Cytogenetic location: 1p22.1.
Variant type: single nucleotide variant.
Coding change: c.493G>T on transcript NM_005263.5 (MANE Select); coding-DNA position 493, G replaced by T.
Protein change: p.Ala165Ser; replaces alanine 165 with serine.
Molecular consequence: missense variant.
Genome position (GRCh38, 1-based): chr1:92,480,894, C>A on the plus strand (G>T on the coding strand, the complement: GFI1 is on the minus strand). VCF-style: chr1-92480894-C-A. GRCh37 (hg19) VCF-style: chr1-92946451-C-A.
Other names: c.493G>T, p.Ala165Ser (NM_001127215.3, NM_001127216.3); short protein forms A165S.
Identifiers: ClinVar variation 4263190 (VCV004263190.1).

ClinVar aggregate classification (germline): Uncertain significance (1 of 4 stars; one submission).

Submission:

Ambry Genetics
Classification: Uncertain significance. Last evaluated: 2025-07-04. Review status: criteria provided, single submitter. Criteria: Ambry Variant Classification Scheme 2023. Collection method: clinical testing. Allele origin: germline.
Comment: The p.A165S variant (also known as c.493G>T), located in coding exon 3 of the GFI1 gene, results from a G to T substitution at nucleotide position 493. The alanine at codon 165 is replaced by serine, an amino acid with similar properties. This amino acid position is conserved. In addition, this alteration is predicted to be tolerated by in silico analysis. Based on the available evidence, the clinical significance of this variant remains unclear.